The following is an entry in ClinVar:

NM_022454.4(SOX17):c.944C>G (p.Pro315Arg)

Gene: SOX17 (SRY-box transcription factor 17; plus strand). Cytogenetic location: 8q11.23.
Variant type: single nucleotide variant.
Coding change: c.944C>G on transcript NM_022454.4 (MANE Select); coding-DNA position 944, C replaced by G.
Protein change: p.Pro315Arg; replaces proline 315 with arginine.
Molecular consequence: missense variant.
Genome position (GRCh38, 1-based): chr8:54,459,694, C>G. VCF-style: chr8-54459694-C-G. GRCh37 (hg19) VCF-style: chr8-55372254-C-G.
Other names: short protein forms P315R.
Identifiers: ClinVar variation 3718310 (VCV003718310.2).
Genomic context (GRCh38, chr8:54,459,694, plus strand): 5'-TGTACTACGGCGCGATGGGCTCGCCCGGGGCGGGCGGCGGGCGCGGCTTCCAGATGCAGC[C>G]GCAACACCAGCACCAGCACCAGCACCAGCACCACCCCCCGGGCCCCGGACAGCCGTCGCC-3'
Protein context (NP_071899.1, residues 305-325): AGGGRGFQMQ[Pro315Arg]QHQHQHQHQH

ClinVar aggregate classification (germline): Uncertain significance (1 of 4 stars; one submission).

gnomAD v4.1: 7 of 1,538,644 alleles (0.00045%); highest among the groups gnomAD compares: Admixed American, 0.012%; no homozygotes.

Submission:

Labcorp Genetics (formerly Invitae), Labcorp
Classification: Uncertain significance. Last evaluated: 2025-03-19. Review status: criteria provided, single submitter. Criteria: Invitae Variant Classification Sherloc (09022015). Collection method: clinical testing. Allele origin: germline.
Comment: This sequence change replaces proline, which is neutral and non-polar, with arginine, which is basic and polar, at codon 315 of the SOX17 protein (p.Pro315Arg). This variant is present in population databases (no rsID available, gnomAD 0.004%). This variant has not been reported in the literature in individuals affected with SOX17-related conditions. Invitae Evidence Modeling of protein sequence and biophysical properties (such as structural, functional, and spatial information, amino acid conservation, physicochemical variation, residue mobility, and thermodynamic stability) indicates that this missense variant is not expected to disrupt SOX17 protein function with a negative predictive value of 80%. In summary, the available evidence is currently insufficient to determine the role of this variant in disease. Therefore, it has been classified as a Variant of Uncertain Significance.